The following is an entry in ClinVar:

ClinVar aggregate classification (germline): Uncertain significance (1 of 4 stars; one submission).

Conditions:
Hereditary cancer-predisposing syndrome. Also called: Hereditary neoplastic syndrome; Neoplastic Syndromes, Hereditary; Tumor predisposition; Hereditary Cancer Syndrome. Identifiers: Orphanet 140162, MedGen C0027672, MeSH D009386, MONDO:0015356.

Submission:

Ambry Genetics
Classification: Uncertain significance for Hereditary cancer-predisposing syndrome. Last evaluated: 2025-08-27. Review status: criteria provided, single submitter. Criteria: Ambry Variant Classification Scheme 2023. Collection method: clinical testing. Allele origin: germline.
Comment: The p.A282S variant (also known as c.844G>T), located in coding exon 10 of the MUTYH gene, results from a G to T substitution at nucleotide position 844. The alanine at codon 282 is replaced by serine, an amino acid with similar properties. This amino acid position is conserved. In addition, the in silico prediction for this alteration is inconclusive. Based on the available evidence, the clinical significance of this variant remains unclear.

NM_001048174.2(MUTYH):c.760G>T (p.Ala254Ser)

Gene: MUTYH (mutY DNA glycosylase; minus strand). Cytogenetic location: 1p34.1.
Variant type: single nucleotide variant.
Coding change: c.760G>T on transcript NM_001048174.2 (MANE Select); coding-DNA position 760, G replaced by T.
Protein change: p.Ala254Ser; replaces alanine 254 with serine.
Molecular consequence: missense variant. On other transcripts: non-coding transcript variant (7).
Genome position (GRCh38, 1-based): chr1:45,332,255, C>A on the plus strand (G>T on the coding strand, the complement: MUTYH is on the minus strand). VCF-style: chr1-45332255-C-A. GRCh37 (hg19) VCF-style: chr1-45797927-C-A.
Other names: c.760G>T, p.Ala254Ser (NM_001048173.2, NM_001293195.2, NM_001407081.1 and 6 more transcripts); c.844G>T, p.Ala282Ser (NM_001128425.2); c.805G>T, p.Ala269Ser (NM_001293190.2); c.793G>T, p.Ala265Ser (NM_001293191.2, NM_001407069.1, NM_001407077.1); c.484G>T, p.Ala162Ser (NM_001293192.2, NM_001293196.2, NM_001407091.1); c.721G>T, p.Ala241Ser (NM_001407079.1); c.718G>T, p.Ala240Ser (NM_001407080.1); c.415G>T, p.Ala139Ser (NM_001407082.1, NM_001350650.2, NM_001350651.2); and 5 more; short protein forms A162S, A240S, A255S, A268S, A139S, A254S, A261S, A269S.
Identifiers: ClinVar variation 4113862 (VCV004113862.1).